The following is an entry in ClinVar:

NM_002529.4(NTRK1):c.1196-3_1196-1del

Gene: NTRK1 (neurotrophic receptor tyrosine kinase 1; plus strand). Cytogenetic location: 1q23.1.
Variant type: Deletion.
Coding change: c.1196-3_1196-1del on transcript NM_002529.4 (MANE Select); 3 bases into the intron before coding-DNA position 1196 through the canonical splice acceptor site of the intron before coding-DNA position 1196, 3 bases deleted (CAG; older notation c.1196-3_1196-1delCAG).
Molecular consequence: splice acceptor variant.
Genome position (GRCh38, 1-based): chr1:156,874,568-156,874,570, CAG deleted. VCF-style (leftmost placement, unchanged base first): chr1-156874567-ACAG-A. GRCh37 (hg19) VCF-style: chr1-156844359-ACAG-A.
Other names: c.1088-3_1088-1del (NM_001007792.1); c.1178-3_1178-1del (NM_001012331.2); c.1178-3_1178-1delCAG (NM_001012331.1).
Identifiers: ClinVar variation 579788 (VCV000579788.3), dbSNP rs1558104865, ClinGen allele CA891843314.

ClinVar aggregate classification (germline): Likely pathogenic. Review status: criteria provided, multiple submitters, no conflicts (2 of 4 stars). 3 submissions from 3 submitters: Likely pathogenic (3). Last evaluated 2023-04-11.

Conditions:
Hereditary insensitivity to pain with anhidrosis (CIPA). Also called: INSENSITIVITY TO PAIN, CONGENITAL, WITH ANHIDROSIS; NEUROPATHY, CONGENITAL SENSORY, WITH ANHIDROSIS; HSAN Type IV; NTRK1 Congenital Insensitivity to Pain with Anhidrosis; hereditary sensory and autonomic neuropathy type 4; FAMILIAL DYSAUTONOMIA, TYPE II. Identifiers: Orphanet 642, MedGen C0020074, MONDO:0009746, OMIM 256800.

Submissions (3):

Genome-Nilou Lab
Classification: Likely pathogenic for Hereditary insensitivity to pain with anhidrosis. Last evaluated: 2023-04-11. Review status: criteria provided, single submitter. Criteria: ACMG Guidelines, 2015. Collection method: clinical testing. Allele origin: germline. Affected: no.

3billion
Classification: Likely pathogenic for Hereditary insensitivity to pain with anhidrosis. Last evaluated: 2022-03-22. Review status: criteria provided, single submitter. Criteria: ACMG Guidelines, 2015. Collection method: clinical testing. Allele origin: germline. Affected: yes. Observed: 1 homozygote.
Comment: Canonical splice site: predicted to alter splicing and result in a loss or disruption of normal protein function through nonsense-mediated decay (NMD) or protein truncation. Multiple pathogenic variants are reported downstream of the variant. This variant has been reported as pathogenic (ClinVar ID: VCV000579788). It is not observed in the gnomAD v2.1.1 dataset. Therefore, this variant is classified as likely pathogenic according to the recommendation of ACMG/AMP guideline.

Labcorp Genetics (formerly Invitae), Labcorp
Classification: Likely pathogenic for Hereditary insensitivity to pain with anhidrosis. Last evaluated: 2018-06-12. Review status: criteria provided, single submitter. Criteria: Invitae Variant Classification Sherloc (09022015). Collection method: clinical testing. Allele origin: germline.
Comment: This sequence change affects an acceptor splice site in intron 8 of the NTRK1 gene. It is expected to disrupt RNA splicing and likely results in an absent or disrupted protein product. This variant is not present in population databases (ExAC no frequency). This variant has not been reported in the literature in individuals with NTRK1-related disease. Algorithms developed to predict the effect of sequence changes on RNA splicing suggest that this variant may disrupt the consensus splice site, but this prediction has not been confirmed by published transcriptional studies. Donor and acceptor splice site variants typically lead to a loss of protein function (PMID: 16199547), and loss-of-function variants in NTRK1 are known to be pathogenic (PMID: 10982191). In summary, the currently available evidence indicates that the variant is pathogenic, but additional data are needed to prove that conclusively. Therefore, this variant has been classified as Likely Pathogenic.

Literature cited by the submitters: PubMed 10982191 (cited by Labcorp Genetics (formerly Invitae), Labcorp).